The following is an entry in ClinVar:

ClinVar aggregate classification (germline): Uncertain significance (1 of 4 stars; one submission).

Conditions:
Immunodeficiency, common variable, 7. Identifiers: Orphanet 1572, Orphanet 696894, MedGen C3542922, MONDO:0013862, OMIM 614699.

Submission:

Labcorp Genetics (formerly Invitae), Labcorp
Classification: Uncertain significance for Immunodeficiency, common variable, 7. Last evaluated: 2021-06-25. Review status: criteria provided, single submitter. Criteria: Invitae Variant Classification Sherloc (09022015). Collection method: clinical testing. Allele origin: germline.
Comment: In summary, the available evidence is currently insufficient to determine the role of this variant in disease. Therefore, it has been classified as a Variant of Uncertain Significance. Algorithms developed to predict the effect of missense changes on protein structure and function are either unavailable or do not agree on the potential impact of this missense change (SIFT: "Tolerated"; PolyPhen-2: "Probably Damaging"; Align-GVGD: "Class C0"). This variant has not been reported in the literature in individuals with CR2-related conditions. This variant is not present in population databases (ExAC no frequency). This sequence change replaces proline with leucine at codon 931 of the CR2 protein (p.Pro931Leu). The proline residue is highly conserved and there is a moderate physicochemical difference between proline and leucine.

NM_001006658.3(CR2):c.2792C>T (p.Pro931Leu)

Gene: CR2 (complement C3d receptor 2; plus strand). Cytogenetic location: 1q32.2.
Variant type: single nucleotide variant.
Coding change: c.2792C>T on transcript NM_001006658.3 (MANE Select); coding-DNA position 2792, C replaced by T.
Protein change: p.Pro931Leu; replaces proline 931 with leucine.
Molecular consequence: missense variant.
Genome position (GRCh38, 1-based): chr1:207,476,309, C>T. VCF-style: chr1-207476309-C-T. GRCh37 (hg19) VCF-style: chr1-207649654-C-T.
Other names: c.2615C>T, p.Pro872Leu (NM_001877.5); short protein forms P872L, P931L.
Identifiers: ClinVar variation 1506189 (VCV001506189.8), dbSNP rs2102308641, ClinGen allele CA344539981.